The following is an entry in ClinVar:

NM_000371.4(TTR):c.50T>C (p.Val17Ala)

Gene: TTR (transthyretin; plus strand). Cytogenetic location: 18q12.1.
Variant type: single nucleotide variant.
Coding change: c.50T>C on transcript NM_000371.4 (MANE Select); coding-DNA position 50, T replaced by C.
Protein change: p.Val17Ala; replaces valine 17 with alanine.
Molecular consequence: missense variant.
Genome position (GRCh38, 1-based): chr18:31,591,952, T>C. VCF-style: chr18-31591952-T-C. GRCh37 (hg19) VCF-style: chr18-29171915-T-C.
Other names: short protein forms V17A.
Identifiers: ClinVar variation 1330783 (VCV001330783.9), dbSNP rs1237121765, ClinGen allele CA402156336.
Genomic context (GRCh38, chr18:31,591,952, plus strand): 5'-TTCTTGGCAGGATGGCTTCTCATCGTCTGCTCCTCCTCTGCCTTGCTGGACTGGTATTTG[T>C]GTCTGAGGCTGGCCCTACGGTGAGTGTTTCTGTGACATCCCATTCCTACATTTAAGATTC-3'
Protein context (NP_000362.1, residues 7-27): LLLCLAGLVF[Val17Ala]SEAGPTGTGE

ClinVar aggregate classification (germline): Uncertain significance. Review status: criteria provided, multiple submitters, no conflicts (2 of 4 stars). 2 submissions from 2 submitters: Uncertain significance (2). Last evaluated 2023-07-12.

Conditions:
Cardiovascular phenotype. Identifiers: MedGen CN230736.

Allele frequency attached by ClinVar (database versions not stated): gnomAD exomes below 0.00001 and 0.00001; TOPMed below 0.00001.
gnomAD v4.1: 13 of 1,614,158 alleles (0.00081%); highest among the groups gnomAD compares: Non-Finnish European, 0.0011%; no homozygotes.

Submissions (2):

ARUP Laboratories, Molecular Genetics and Genomics, ARUP Laboratories
Classification: Uncertain significance. Last evaluated: 2023-07-12. Review status: criteria provided, single submitter. Criteria: ARUP Molecular Germline Variant Investigation Process 2024. Collection method: clinical testing. Allele origin: germline.
Comment: The TTR c.50T>C; p.Val17Ala variant (rs1237121765), to our knowledge, has not been reported in the medical literature but is reported in ClinVar (Variation ID: 1330783). This variant is on a single chromosome in the Genome Aggregation Database, indicating it is not a common polymorphism. Computational analyses are uncertain whether this variant is neutral or deleterious (REVEL: 0.153). Due to limited information, the clinical significance of this variant is uncertain at this time.

Ambry Genetics
Classification: Uncertain significance for Cardiovascular phenotype. Last evaluated: 2022-01-06. Review status: criteria provided, single submitter. Criteria: Ambry Variant Classification Scheme 2023. Collection method: clinical testing. Allele origin: germline.
Comment: The p.V17A variant (also known as c.50T>C), located in coding exon 1 of the TTR gene, results from a T to C substitution at nucleotide position 50. The valine at codon 17 is replaced by alanine, an amino acid with similar properties. This amino acid position is not well conserved in available vertebrate species, and alanine is the reference amino acid in other vertebrate species. In addition, this alteration is predicted to be tolerated by in silico analysis. Since supporting evidence is limited at this time, the clinical significance of this alteration remains unclear.